The following is an entry in ClinVar:

NM_014140.4(SMARCAL1):c.325C>T (p.Pro109Ser)

Gene: SMARCAL1 (SNF2 related chromatin remodeling annealing helicase 1; plus strand). Cytogenetic location: 2q35.
Variant type: single nucleotide variant.
Coding change: c.325C>T on transcript NM_014140.4 (MANE Select); coding-DNA position 325, C replaced by T.
Protein change: p.Pro109Ser; replaces proline 109 with serine.
Molecular consequence: missense variant.
Genome position (GRCh38, 1-based): chr2:216,415,029, C>T. VCF-style: chr2-216415029-C-T. GRCh37 (hg19) VCF-style: chr2-217279752-C-T.
Other names: c.325C>T, p.Pro109Ser (NM_001127207.2); short protein forms P109S.
Identifiers: ClinVar variation 2144179 (VCV002144179.5), dbSNP rs1315060813, ClinGen allele CA350497056.

ClinVar aggregate classification (germline): Uncertain significance. Review status: criteria provided, multiple submitters, no conflicts (2 of 4 stars). 2 submissions from 2 submitters: Uncertain significance (2). Last evaluated 2025-10-07.

Conditions:
Schimke immuno-osseous dysplasia (SIOD). Also called: Schimke Immunoosseous Dysplasia. Identifiers: Orphanet 1830, MedGen C0877024, MONDO:0009458, OMIM 242900.
Inborn genetic diseases. Identifiers: MedGen C0950123, MeSH D030342.

Allele frequency attached by ClinVar (database versions not stated): gnomAD exomes below 0.00001; TOPMed below 0.00001.
gnomAD v4.1: 3 of 1,614,216 alleles (0.00019%); highest among the groups gnomAD compares: Non-Finnish European, 0.00025%; no homozygotes.

Submissions (2):

Ambry Genetics
Classification: Uncertain significance for Inborn genetic diseases. Last evaluated: 2025-10-07. Review status: criteria provided, single submitter. Criteria: Ambry Variant Classification Scheme 2023. Collection method: clinical testing. Allele origin: germline.

Labcorp Genetics (formerly Invitae), Labcorp
Classification: Uncertain significance for Schimke immuno-osseous dysplasia. Last evaluated: 2022-07-19. Review status: criteria provided, single submitter. Criteria: Invitae Variant Classification Sherloc (09022015). Collection method: clinical testing. Allele origin: germline.
Comment: This sequence change replaces proline, which is neutral and non-polar, with serine, which is neutral and polar, at codon 109 of the SMARCAL1 protein (p.Pro109Ser). This variant is present in population databases (no rsID available, gnomAD 0.0009%). This variant has not been reported in the literature in individuals affected with SMARCAL1-related conditions. Algorithms developed to predict the effect of missense changes on protein structure and function output the following: SIFT: "Tolerated"; PolyPhen-2: "Benign"; Align-GVGD: "Class C0". The serine amino acid residue is found in multiple mammalian species, which suggests that this missense change does not adversely affect protein function. In summary, the available evidence is currently insufficient to determine the role of this variant in disease. Therefore, it has been classified as a Variant of Uncertain Significance.